The following is an entry in ClinVar:

ClinVar aggregate classification (germline): Pathogenic (1 of 4 stars; one submission).

Submission:

Labcorp Genetics (formerly Invitae), Labcorp
Classification: Pathogenic. Last evaluated: 2024-04-10. Review status: criteria provided, single submitter. Criteria: Invitae Variant Classification Sherloc (09022015). Collection method: clinical testing. Allele origin: germline.
Comment: This sequence change creates a premature translational stop signal (p.Ser539*) in the LCA5 gene. While this is not anticipated to result in nonsense mediated decay, it is expected to disrupt the last 159 amino acid(s) of the LCA5 protein. This variant is not present in population databases (gnomAD no frequency). This variant has not been reported in the literature in individuals affected with LCA5-related conditions. This variant disrupts a region of the LCA5 protein in which other variant(s) (p.Lys586*) have been determined to be pathogenic (PMID: 23946133, 27624628). This suggests that this is a clinically significant region of the protein, and that variants that disrupt it are likely to be disease-causing. For these reasons, this variant has been classified as Pathogenic.

Literature cited by the submitters: PubMed 23946133; PubMed 27624628.

NM_001122769.3(LCA5):c.1616C>A (p.Ser539Ter)

Gene: LCA5 (lebercilin LCA5; minus strand). Cytogenetic location: 6q14.1.
Variant type: single nucleotide variant.
Coding change: c.1616C>A on transcript NM_001122769.3 (MANE Select); coding-DNA position 1616, C replaced by A.
Protein change: p.Ser539Ter; replaces serine 539 with a stop codon.
Molecular consequence: nonsense.
Genome position (GRCh38, 1-based): chr6:79,487,482, G>T on the plus strand (C>A on the coding strand, the complement: LCA5 is on the minus strand). VCF-style: chr6-79487482-G-T. GRCh37 (hg19) VCF-style: chr6-80197199-G-T.
Other names: c.1616C>A, p.Ser539Ter (NM_181714.4); short protein forms S539*.
Identifiers: ClinVar variation 2713066 (VCV002713066.3), dbSNP rs2533369185, ClinGen allele CA364639686.
Genomic context (GRCh38, chr6:79,487,482, plus strand): 5'-GAAGGCACGTAGCTACCAAATGCGAACTCATTAGGGGAGGCTGGACTTCTAACATTTCCT[G>T]AATTCTGACCTTCTCCTTTTGGAGTTGAGAAACTGATGTCTTGCAAATGATGCCCATTAA-3'